The following is an entry in ClinVar:

NM_000346.4(SOX9):c.216C>T (p.Cys72=)

Genes: SOX9 (SRY-box transcription factor 9; plus strand), LOC108021846 (SOX9 promoter region; plus strand). Cytogenetic location: 17q24.3.
Variant type: single nucleotide variant.
Coding change: c.216C>T on transcript NM_000346.4 (MANE Select); coding-DNA position 216, C replaced by T.
Protein change: p.Cys72=; no amino-acid change (cysteine 72 retained).
Molecular consequence: synonymous variant.
Genome position (GRCh38, 1-based): chr17:72,121,607, C>T. VCF-style: chr17-72121607-C-T. GRCh37 (hg19) VCF-style: chr17-70117748-C-T.
Identifiers: ClinVar variation 3373081 (VCV003373081.1).

ClinVar aggregate classification (germline): Uncertain significance (1 of 4 stars; one submission).

gnomAD v4.1: 1 of 1,604,350 alleles (0.000062%); highest among the groups gnomAD compares: Non-Finnish European, 0.000085%; no homozygotes.

Submission:

GeneDx
Classification: Uncertain significance. Last evaluated: 2024-04-25. Review status: criteria provided, single submitter. Criteria: GeneDx Variant Classification Process June 2021. Collection method: clinical testing. Allele origin: germline. Affected: yes.
Comment: Not observed at significant frequency in large population cohorts (gnomAD); In silico analysis indicates that this variant does not alter splicing; Has not been previously published as pathogenic or benign to our knowledge